The following is an entry in ClinVar:

ClinVar aggregate classification (germline): Likely benign (1 of 4 stars; one submission).

gnomAD v4.1: 2 of 1,613,380 alleles (0.00012%); highest among the groups gnomAD compares: Non-Finnish European, 0.00017%; no homozygotes.

Submission:

CeGaT Center for Human Genetics Tuebingen
Classification: Likely benign. Last evaluated: 2026-03-01. Review status: criteria provided, single submitter. Criteria: CeGaT Center For Human Genetics Tuebingen Variant Classification Criteria Version 2. Collection method: clinical testing. Allele origin: germline. Affected: yes. Observed: 1 variant allele.
Comment: FLG: BP4, BP7

NM_002016.2(FLG):c.2292C>T (p.Gly764=)

Genes: CCDST (cervical cancer associated DHX9 suppressive transcript; plus strand), FLG (filaggrin; minus strand). Cytogenetic location: 1q21.3.
Variant type: single nucleotide variant.
Coding change: c.2292C>T on transcript NM_002016.2 (MANE Select); coding-DNA position 2292, C replaced by T.
Protein change: p.Gly764=; no amino-acid change (glycine 764 retained).
Molecular consequence: synonymous variant.
Genome position (GRCh38, 1-based): chr1:152,312,594, G>A on the plus strand (C>T on the coding strand, the complement: FLG is on the minus strand). VCF-style: chr1-152312594-G-A. GRCh37 (hg19) VCF-style: chr1-152285070-G-A.
Identifiers: ClinVar variation 4823747 (VCV004823747.4).
Genomic context (GRCh38, chr1:152,312,594, plus strand): 5'-CCCTGACCGGTCACGTGCGGACTCTTGGTGGCTCTGCTGATGGTGACCAGCCTGTCCATG[G>A]CCTGACACTGACTGTGTGTCTGAGTCTTCTGAATGTCCCTCACTGTCAGTGGCCTGACTA-3'
Protein context (NP_002007.1, residues 754-774): SEDSDTQSVS[Gly764=]HGQAGHHQQS